The following is an entry in ClinVar:

ClinVar aggregate classification (germline): Uncertain significance (1 of 4 stars; one submission).

Conditions:
Neuroblastoma, susceptibility to, 3. Also called: ALK-Related Neuroblastic Tumor Susceptibility. Identifiers: Orphanet 635, MedGen C2751681, MONDO:0013083, OMIM 613014.

Submission:

Labcorp Genetics (formerly Invitae), Labcorp
Classification: Uncertain significance for Neuroblastoma, susceptibility to, 3. Last evaluated: 2021-02-21. Review status: criteria provided, single submitter. Criteria: Invitae Variant Classification Sherloc (09022015). Collection method: clinical testing. Allele origin: germline.
Comment: In summary, the available evidence is currently insufficient to determine the role of this variant in disease. Therefore, it has been classified as a Variant of Uncertain Significance. Algorithms developed to predict the effect of missense changes on protein structure and function are either unavailable or do not agree on the potential impact of this missense change (SIFT: "Deleterious"; PolyPhen-2: "Probably Damaging"; Align-GVGD: "Class C0"). This variant has not been reported in the literature in individuals with ALK-related conditions. This variant is not present in population databases (ExAC no frequency). This sequence change replaces alanine with threonine at codon 1377 of the ALK protein (p.Ala1377Thr). The alanine residue is highly conserved and there is a small physicochemical difference between alanine and threonine.

NM_004304.5(ALK):c.4129G>A (p.Ala1377Thr)

Gene: ALK (ALK receptor tyrosine kinase; minus strand). Cytogenetic location: 2p23.2.
Variant type: single nucleotide variant.
Coding change: c.4129G>A on transcript NM_004304.5 (MANE Select); coding-DNA position 4129, G replaced by A.
Protein change: p.Ala1377Thr; replaces alanine 1377 with threonine.
Molecular consequence: missense variant.
Genome position (GRCh38, 1-based): chr2:29,196,805, C>T on the plus strand (G>A on the coding strand, the complement: ALK is on the minus strand). VCF-style: chr2-29196805-C-T. GRCh37 (hg19) VCF-style: chr2-29419671-C-T.
Other names: c.925G>A, p.Ala309Thr (NM_001353765.2); short protein forms A1377T, A309T.
Identifiers: ClinVar variation 1374769 (VCV001374769.8), dbSNP rs2148141798, ClinGen allele CA346465020.